The following is an entry in ClinVar:

NM_001164665.2(KIAA1549):c.5698C>T (p.His1900Tyr)

Gene: KIAA1549 (KIAA1549; minus strand). Cytogenetic location: 7q34.
Variant type: single nucleotide variant.
Coding change: c.5698C>T on transcript NM_001164665.2 (MANE Select); coding-DNA position 5698, C replaced by T.
Protein change: p.His1900Tyr; replaces histidine 1900 with tyrosine.
Molecular consequence: missense variant.
Genome position (GRCh38, 1-based): chr7:138,838,061, G>A on the plus strand (C>T on the coding strand, the complement: KIAA1549 is on the minus strand). VCF-style: chr7-138838061-G-A. GRCh37 (hg19) VCF-style: chr7-138522806-G-A.
Other names: c.5650C>T, p.His1884Tyr (NM_020910.3); short protein forms H1884Y, H1900Y.
Identifiers: ClinVar variation 943682 (VCV000943682.5), dbSNP rs573970210, ClinGen allele CA369383874.
Genomic context (GRCh38, chr7:138,838,061, plus strand): 5'-GCTGGAGGTCTTCCGTGGAGCTGGTGGGGTAACCCAGCCCAGGGCCCTGCAGTCCCCGGT[G>A]GGGGAGGTTCCCGGAAGGAGCTGAGGGCTCCCTGCCTGAAGTCCTTGGCACCTGAAATAG-3'
Protein context (NP_001158137.1, residues 1890-1910): EPSAPSGNLP[His1900Tyr]RGLQGPGLGY

ClinVar aggregate classification (germline): Uncertain significance. Review status: criteria provided, multiple submitters, no conflicts (2 of 4 stars). 2 submissions from 2 submitters: Uncertain significance (2). Last evaluated 2022-02-10.

Conditions:
Inborn genetic diseases. Identifiers: MedGen C0950123, MeSH D030342.

Allele frequency attached by ClinVar (database versions not stated): gnomAD 0.00001; TOPMed 0.00001.
gnomAD v4.1: 13 of 1,596,728 alleles (0.00081%); highest among the groups gnomAD compares: East Asian, 0.009%; no homozygotes.

Submissions (2):

Labcorp Genetics (formerly Invitae), Labcorp
Classification: Uncertain significance. Last evaluated: 2022-02-10. Review status: criteria provided, single submitter. Criteria: Invitae Variant Classification Sherloc (09022015). Collection method: clinical testing. Allele origin: germline.
Comment: This sequence change replaces histidine, which is basic and polar, with tyrosine, which is neutral and polar, at codon 1900 of the KIAA1549 protein (p.His1900Tyr). The frequency data for this variant in the population databases is considered unreliable, as metrics indicate poor data quality at this position in the gnomAD database. This variant has not been reported in the literature in individuals affected with KIAA1549-related conditions. ClinVar contains an entry for this variant (Variation ID: 943682). Algorithms developed to predict the effect of missense changes on protein structure and function are either unavailable or do not agree on the potential impact of this missense change (SIFT: "Deleterious"; PolyPhen-2: "Possibly Damaging"; Align-GVGD: "Class C0"). In summary, the available evidence is currently insufficient to determine the role of this variant in disease. Therefore, it has been classified as a Variant of Uncertain Significance.

Ambry Genetics
Classification: Uncertain significance for Inborn genetic diseases. Last evaluated: 2021-09-01. Review status: criteria provided, single submitter. Criteria: Ambry Variant Classification Scheme 2023. Collection method: clinical testing. Allele origin: germline.